The following is an entry in ClinVar:

NM_001360.3(DHCR7):c.399C>T (p.Ala133=)

Gene: DHCR7 (7-dehydrocholesterol reductase; minus strand). Cytogenetic location: 11q13.4.
Variant type: single nucleotide variant.
Coding change: c.399C>T on transcript NM_001360.3 (MANE Select); coding-DNA position 399, C replaced by T.
Protein change: p.Ala133=; no amino-acid change (alanine 133 retained).
Molecular consequence: synonymous variant.
Genome position (GRCh38, 1-based): chr11:71,442,276, G>A on the plus strand (C>T on the coding strand, the complement: DHCR7 is on the minus strand). VCF-style: chr11-71442276-G-A. GRCh37 (hg19) VCF-style: chr11-71153322-G-A.
Other names: p.Ala133=; c.399C>T, p.Ala133= (NM_001163817.2).
Identifiers: ClinVar variation 197726 (VCV000197726.70), dbSNP rs147424205, ClinGen allele CA246033.
Genomic context (GRCh38, chr11:71,442,276, plus strand): 5'-AAGGGATGAGAACGGGAGCCTGGGGAGGGTGGAAGGGAGGAGGCTACCTGCAGGAGTCAC[G>A]GCCCCCTCCTGGATGCCTCCTACGTAGCCGGGTAGAAACTTATGGCAGAAGTCAGGGAGA-3'
Protein context (NP_001351.2, residues 123-143): PGYVGGIQEG[Ala133=]VTPAGVVNKY

ClinVar aggregate classification (germline): Conflicting classifications of pathogenicity. Review status: criteria provided, conflicting classifications (1 of 4 stars). 13 submissions from 13 submitters: Uncertain significance (1); Benign (3); Likely benign (8). 1 of the submissions does not count toward it. Last evaluated 2026-03-01.

Conditions:
Inborn genetic diseases. Identifiers: MedGen C0950123, MeSH D030342.
Smith-Lemli-Opitz syndrome (SLOS). Also called: RSH SYNDROME; RUTLEDGE LETHAL MULTIPLE CONGENITAL ANOMALY SYNDROME; 7-Dehydrocholesterol reductase deficiency; POLYDACTYLY, SEX REVERSAL, RENAL HYPOPLASIA, AND UNILOBAR LUNG; LETHAL ACRODYSGENITAL SYNDROME. Identifiers: Orphanet 818, MedGen C0175694, MONDO:0010035, OMIM 270400.

Allele frequency attached by ClinVar (database versions not stated): 1000 Genomes Project 0.00080; TOPMed 0.00215; gnomAD 0.00245 and 0.00248; ESP Exome Variant Server 0.00277; gnomAD exomes 0.00308 and 0.00310; ExAC 0.00404.

Submissions (13):

CeGaT Center for Human Genetics Tuebingen
Classification: Likely benign. Last evaluated: 2026-03-01. Review status: criteria provided, single submitter. Criteria: CeGaT Center For Human Genetics Tuebingen Variant Classification Criteria Version 2. Collection method: clinical testing. Allele origin: germline. Affected: yes. Observed: 23 variant alleles.
Comment: DHCR7: BP4, BP7, BS2

Labcorp Genetics (formerly Invitae), Labcorp
Classification: Benign for Smith-Lemli-Opitz syndrome. Last evaluated: 2026-01-29. Review status: criteria provided, single submitter. Criteria: Invitae Variant Classification Sherloc (09022015). Collection method: clinical testing. Allele origin: germline.

Mayo Clinic Laboratories, Mayo Clinic
Classification: Benign. Last evaluated: 2025-08-20. Review status: criteria provided, single submitter. Criteria: ACMG Guidelines, 2015. Collection method: clinical testing. Allele origin: germline. Observed: 3 variant alleles.
Comment: BS1, BS2, BP4, BP7

Pars Genome Lab
Classification: Likely benign for Smith-Lemli-Opitz syndrome. Last evaluated: 2021-05-18. Review status: criteria provided, single submitter. Criteria: ACMG Guidelines, 2015. Collection method: clinical testing. Allele origin: germline. Affected: no.

GeneDx
Classification: Likely benign. Last evaluated: 2021-05-05. Review status: criteria provided, single submitter. Criteria: GeneDx Variant Classification Process June 2021. Collection method: clinical testing. Allele origin: germline. Affected: yes.

Genetic Services Laboratory, University of Chicago
Classification: Likely benign. Last evaluated: 2020-05-21. Review status: criteria provided, single submitter. Criteria: ACMG Guidelines, 2015. Collection method: clinical testing. Allele origin: germline. Affected: no.

Women's Health and Genetics/Laboratory Corporation of America, LabCorp
Classification: Likely benign. Last evaluated: 2019-08-15. Review status: criteria provided, single submitter. Criteria: LabCorp Variant Classification Summary - May 2015. Collection method: clinical testing. Allele origin: germline.

ARUP Laboratories, Molecular Genetics and Genomics, ARUP Laboratories
Classification: Likely benign for Smith-Lemli-Opitz syndrome. Last evaluated: 2019-07-22. Review status: criteria provided, single submitter. Criteria: ARUP Molecular Germline Variant Investigation Process. Collection method: clinical testing. Allele origin: germline.

Illumina Laboratory Services, Illumina
Classification: Uncertain significance for Smith-Lemli-Opitz syndrome. Last evaluated: 2018-01-13. Review status: criteria provided, single submitter. Criteria: ICSL Variant Classification Criteria 13 December 2019. Collection method: clinical testing. Allele origin: germline.

Ambry Genetics
Classification: Likely benign for Inborn genetic diseases. Last evaluated: 2016-06-09. Review status: criteria provided, single submitter. Criteria: Ambry Variant Classification Scheme 2023. Collection method: clinical testing. Allele origin: germline.

Eurofins Ntd Llc (ga)
Classification: Likely benign. Last evaluated: 2015-10-26. Review status: criteria provided, single submitter. Criteria: EGL Classification Definitions 2015. Collection method: clinical testing. Allele origin: germline. Observed: 7 variant alleles, 7 heterozygotes.

PreventionGenetics, part of Exact Sciences
Classification: Benign. Review status: criteria provided, single submitter. Criteria: ACMG Guidelines, 2015. Collection method: clinical testing. Allele origin: germline.

Natera, Inc.
Classification: Likely benign for Smith-Lemli-Opitz syndrome. Last evaluated: 2019-08-05. Review status: no assertion criteria provided. Collection method: clinical testing. Allele origin: germline. Not counted in ClinVar's aggregate classification.